The following is an entry in ClinVar:

ClinVar aggregate classification (germline): Uncertain significance (1 of 4 stars; one submission).

Conditions:
Acrocallosal syndrome (ACLS). Also called: HALLUX DUPLICATION, POSTAXIAL POLYDACTYLY, AND ABSENCE OF CORPUS CALLOSUM; Schinzel syndrome 1; Absence of corpus callosum with unusual facial appearance, mental deficiency, duplication of the halluces and polydactyly. Identifiers: Orphanet 36, MedGen C0796147, MONDO:0008708, OMIM 200990.

Submission:

Labcorp Genetics (formerly Invitae), Labcorp
Classification: Uncertain significance for Acrocallosal syndrome. Last evaluated: 2022-10-13. Review status: criteria provided, single submitter. Criteria: Invitae Variant Classification Sherloc (09022015). Collection method: clinical testing. Allele origin: germline.
Comment: This sequence change replaces glycine, which is neutral and non-polar, with alanine, which is neutral and non-polar, at codon 570 of the KIF7 protein (p.Gly570Ala). This variant is not present in population databases (gnomAD no frequency). This variant has not been reported in the literature in individuals affected with KIF7-related conditions. Advanced modeling of protein sequence and biophysical properties (such as structural, functional, and spatial information, amino acid conservation, physicochemical variation, residue mobility, and thermodynamic stability) performed at Invitae indicates that this missense variant is not expected to disrupt KIF7 protein function. In summary, the available evidence is currently insufficient to determine the role of this variant in disease. Therefore, it has been classified as a Variant of Uncertain Significance.

NM_198525.3(KIF7):c.1709G>C (p.Gly570Ala)

Gene: KIF7 (kinesin family member 7; minus strand). Cytogenetic location: 15q26.1.
Variant type: single nucleotide variant.
Coding change: c.1709G>C on transcript NM_198525.3 (MANE Select); coding-DNA position 1709, G replaced by C.
Protein change: p.Gly570Ala; replaces glycine 570 with alanine.
Molecular consequence: missense variant.
Genome position (GRCh38, 1-based): chr15:89,646,909, C>G on the plus strand (G>C on the coding strand, the complement: KIF7 is on the minus strand). VCF-style: chr15-89646909-C-G. GRCh37 (hg19) VCF-style: chr15-90190140-C-G.
Other names: short protein forms G570A.
Identifiers: ClinVar variation 2109616 (VCV002109616.4), dbSNP rs1057517751, ClinGen allele CA393767386.